The following is an entry in ClinVar:

NM_018344.6(SLC29A3):c.374T>A (p.Leu125His)

Genes: SLC29A3 (solute carrier family 29 member 3; plus strand), LOC105378353 (uncharacterized LOC105378353; minus strand). Cytogenetic location: 10q22.1.
Variant type: single nucleotide variant.
Coding change: c.374T>A on transcript NM_018344.6 (MANE Select); coding-DNA position 374, T replaced by A.
Protein change: p.Leu125His; replaces leucine 125 with histidine.
Molecular consequence: missense variant.
Genome position (GRCh38, 1-based): chr10:71,344,282, T>A. VCF-style: chr10-71344282-T-A. GRCh37 (hg19) VCF-style: chr10-73104039-T-A.
Other names: c.374T>A, p.Leu125His (NM_001174098.2); c.140T>A, p.Leu47His (NM_001363518.2); c.374T>A (NM_018344.5); short protein forms L47H, L125H.
Identifiers: ClinVar variation 1484468 (VCV001484468.7), dbSNP rs1846502655, ClinGen allele CA377129665.

ClinVar aggregate classification (germline): Uncertain significance. Review status: criteria provided, multiple submitters, no conflicts (2 of 4 stars). 2 submissions from 2 submitters: Uncertain significance (2). Last evaluated 2021-10-25.

Conditions:
H syndrome. Also called: Histiocytosis with joint contractures and sensorineural deafness; Asrar Facharzt Haque syndrome; HISTIOCYTOSIS AND LYMPHADENOPATHY WITH OR WITHOUT CUTANEOUS, CARDIAC, AND/OR ENDOCRINE FEATURES, JOINT CONTRACTURES, AND/OR DEAFNESS; HYPERPIGMENTATION, CUTANEOUS, WITH HYPERTRICHOSIS, HEPATOSPLENOMEGALY, HEART ANOMALIES, AND HYPOGONADISM WITH OR WITHOUT HEARING LOSS; PIGMENTED HYPERTRICHOSIS WITH INSULIN-DEPENDENT DIABETES MELLITUS; ROSAI-DORFMAN DISEASE, FAMILIAL. Identifiers: Orphanet 168569, MedGen C1864445, MONDO:0011273, OMIM 602782.
Inborn genetic diseases. Identifiers: MedGen C0950123, MeSH D030342.

Allele frequency attached by ClinVar (database versions not stated): gnomAD exomes below 0.00001.
gnomAD v4.1: 1 of 1,613,830 alleles (0.000062%); highest among the groups gnomAD compares: African/African-American, 0.0013%; no homozygotes.

Submissions (2):

Labcorp Genetics (formerly Invitae), Labcorp
Classification: Uncertain significance for H syndrome. Last evaluated: 2021-10-25. Review status: criteria provided, single submitter. Criteria: Invitae Variant Classification Sherloc (09022015). Collection method: clinical testing. Allele origin: germline.
Comment: In summary, the available evidence is currently insufficient to determine the role of this variant in disease. Therefore, it has been classified as a Variant of Uncertain Significance. Algorithms developed to predict the effect of missense changes on protein structure and function are either unavailable or do not agree on the potential impact of this missense change (SIFT: "Deleterious"; PolyPhen-2: "Probably Damaging"; Align-GVGD: "Class C0"). This variant has not been reported in the literature in individuals affected with SLC29A3-related conditions. This variant is not present in population databases (gnomAD no frequency). This sequence change replaces leucine, a(n) neutral and non-polar amino acid, with histidine, a(n) basic and polar amino acid, at codon 125 of the SLC29A3 protein (p.Leu125His).

Ambry Genetics
Classification: Uncertain significance for Inborn genetic diseases. Last evaluated: 2021-09-30. Review status: criteria provided, single submitter. Criteria: Ambry Variant Classification Scheme 2023. Collection method: clinical testing. Allele origin: germline.